The following is an entry in ClinVar:

NM_001164508.2(NEB):c.6915+1G>A

Gene: NEB (nebulin; minus strand). Cytogenetic location: 2q23.3.
Variant type: single nucleotide variant.
Coding change: c.6915+1G>A on transcript NM_001164508.2 (MANE Select); the canonical splice donor site of the intron after coding-DNA position 6915, G replaced by A.
Molecular consequence: splice donor variant.
Genome position (GRCh38, 1-based): chr2:151,653,991, C>T on the plus strand (G>A on the coding strand, the complement: NEB is on the minus strand). VCF-style: chr2-151653991-C-T. GRCh37 (hg19) VCF-style: chr2-152510505-C-T.
Other names: c.6915+1G>A (NM_004543.5, NM_001164507.2, NM_001271208.2).
Identifiers: ClinVar variation 1966097 (VCV001966097.5), dbSNP rs1575214374, ClinGen allele CA348793090.

ClinVar aggregate classification (germline): Likely pathogenic (1 of 4 stars; one submission).

Conditions:
Nemaline myopathy 2 (NEM2). Also called: Nemaline myopathy 2, autosomal recessive. Identifiers: MedGen C1850569, MONDO:0009725, OMIM 256030.

Allele frequency attached by ClinVar (database versions not stated): gnomAD exomes below 0.00001; TOPMed below 0.00001.
gnomAD v4.1: 1 of 1,601,126 alleles (0.000062%); highest among the groups gnomAD compares: Non-Finnish European, 0.000086%; no homozygotes.

Submission:

Labcorp Genetics (formerly Invitae), Labcorp
Classification: Likely pathogenic for Nemaline myopathy 2. Last evaluated: 2022-01-23. Review status: criteria provided, single submitter. Criteria: Invitae Variant Classification Sherloc (09022015). Collection method: clinical testing. Allele origin: germline.
Comment: In summary, the currently available evidence indicates that the variant is pathogenic, but additional data are needed to prove that conclusively. Therefore, this variant has been classified as Likely Pathogenic. Algorithms developed to predict the effect of sequence changes on RNA splicing suggest that this variant may disrupt the consensus splice site. Disruption of this splice site has been observed in individual(s) with nemaline myopathy (PMID: 32062132). This variant is not present in population databases (gnomAD no frequency). This sequence change affects a donor splice site in intron 52 of the NEB gene. It is expected to disrupt RNA splicing. Variants that disrupt the donor or acceptor splice site typically lead to a loss of protein function (PMID: 16199547), and loss-of-function variants in NEB are known to be pathogenic (PMID: 25205138).

Literature cited by the submitters: PubMed 32062132; PubMed 16199547; PubMed 25205138.